The following is an entry in ClinVar:

ClinVar aggregate classification (germline): Uncertain significance (1 of 4 stars; one submission).

Conditions:
Fanconi anemia complementation group J. Also called: BRIP1-Related Fanconi Anemia. Identifiers: Orphanet 84, MedGen C1836860, MONDO:0012187, OMIM 609054.
Familial cancer of breast. Also called: hereditary breast carcinoma; Hereditary breast cancer; BREAST CANCER, FAMILIAL. Identifiers: Orphanet 227535, MedGen C0346153, MONDO:0016419, OMIM 114480. Disease mechanism: loss of function.

Submission:

Labcorp Genetics (formerly Invitae), Labcorp
Classification: Uncertain significance for Familial cancer of breast; Fanconi anemia complementation group J. Last evaluated: 2023-12-18. Review status: criteria provided, single submitter. Criteria: Invitae Variant Classification Sherloc (09022015). Collection method: clinical testing. Allele origin: germline.
Comment: This sequence change replaces histidine, which is basic and polar, with proline, which is neutral and non-polar, at codon 870 of the BRIP1 protein (p.His870Pro). This variant is not present in population databases (gnomAD no frequency). This variant has not been reported in the literature in individuals affected with BRIP1-related conditions. ClinVar contains an entry for this variant (Variation ID: 219666). Advanced modeling of protein sequence and biophysical properties (such as structural, functional, and spatial information, amino acid conservation, physicochemical variation, residue mobility, and thermodynamic stability) performed at Invitae indicates that this missense variant is expected to disrupt BRIP1 protein function with a positive predictive value of 80%. In summary, the available evidence is currently insufficient to determine the role of this variant in disease. Therefore, it has been classified as a Variant of Uncertain Significance.

NM_032043.3(BRIP1):c.2609A>C (p.His870Pro)

Gene: BRIP1 (BRCA1 interacting DNA helicase 1; minus strand). Cytogenetic location: 17q23.2.
Variant type: single nucleotide variant.
Coding change: c.2609A>C on transcript NM_032043.3 (MANE Select); coding-DNA position 2609, A replaced by C.
Protein change: p.His870Pro; replaces histidine 870 with proline.
Molecular consequence: missense variant.
Genome position (GRCh38, 1-based): chr17:61,686,132, T>G on the plus strand (A>C on the coding strand, the complement: BRIP1 is on the minus strand). VCF-style: chr17-61686132-T-G. GRCh37 (hg19) VCF-style: chr17-59763493-T-G.
Other names: short protein forms H870P.
Identifiers: ClinVar variation 219666 (VCV000219666.10), dbSNP rs864622201, ClinGen allele CA350588.